The following is an entry in ClinVar:

NM_001710.6(CFB):c.776G>A (p.Arg259Gln)

Gene: CFB (complement factor B; plus strand). Cytogenetic location: 6p21.33.
Variant type: single nucleotide variant.
Coding change: c.776G>A on transcript NM_001710.6 (MANE Select); coding-DNA position 776, G replaced by A.
Protein change: p.Arg259Gln; replaces arginine 259 with glutamine.
Molecular consequence: missense variant.
Genome position (GRCh38, 1-based): chr6:31,947,960, G>A. VCF-style: chr6-31947960-G-A. GRCh37 (hg19) VCF-style: chr6-31915737-G-A.
Other names: short protein forms R259Q.
Identifiers: ClinVar variation 1367393 (VCV001367393.9), dbSNP rs1188488195, ClinGen allele CA363395623.
Genomic context (GRCh38, chr6:31,947,960, plus strand): 5'-CAGAACTGTTAATGCTGGAGCCTGAGCCACTCTCCTGGCACCCAGGGGAACAACAGAAGC[G>A]GAAGATCGTCCTGGACCCTTCAGGCTCCATGAACATCTACCTGGTGCTAGATGGATCAGA-3'
Protein context (NP_001701.2, residues 249-269): DGHGPGEQQK[Arg259Gln]KIVLDPSGSM

ClinVar aggregate classification (germline): Uncertain significance. Review status: criteria provided, multiple submitters, no conflicts (2 of 4 stars). 2 submissions from 2 submitters: Uncertain significance (2). Last evaluated 2021-07-14.

Allele frequency attached by ClinVar (database versions not stated): gnomAD exomes below 0.00001 and 0.00001; gnomAD 0.00001.
gnomAD v4.1: 6 of 1,614,058 alleles (0.00037%); highest among the groups gnomAD compares: South Asian, 0.0022%; no homozygotes.

Submissions (2):

Labcorp Genetics (formerly Invitae), Labcorp
Classification: Uncertain significance. Last evaluated: 2021-07-14. Review status: criteria provided, single submitter. Criteria: Invitae Variant Classification Sherloc (09022015). Collection method: clinical testing. Allele origin: germline.
Comment: In summary, the available evidence is currently insufficient to determine the role of this variant in disease. Therefore, it has been classified as a Variant of Uncertain Significance. Algorithms developed to predict the effect of missense changes on protein structure and function are either unavailable or do not agree on the potential impact of this missense change (SIFT: "Deleterious"; PolyPhen-2: "Probably Damaging"; Align-GVGD: "Class C0"). This variant has not been reported in the literature in individuals affected with CFB-related conditions. This variant is not present in population databases (ExAC no frequency). This sequence change replaces arginine with glutamine at codon 259 of the CFB protein (p.Arg259Gln). The arginine residue is highly conserved and there is a small physicochemical difference between arginine and glutamine.

Blueprint Genetics
Classification: Uncertain significance. Last evaluated: 2020-12-22. Review status: criteria provided, single submitter. Criteria: ACMG Guidelines, 2015. Collection method: clinical testing. Allele origin: germline.